The following is an entry in ClinVar:

NM_002693.3(POLG):c.1251-2A>T

Gene: POLG (DNA polymerase gamma, catalytic subunit; minus strand). Cytogenetic location: 15q26.1.
Variant type: single nucleotide variant.
Coding change: c.1251-2A>T on transcript NM_002693.3 (MANE Select); the canonical splice acceptor site of the intron before coding-DNA position 1251, A replaced by T.
Molecular consequence: splice acceptor variant.
Genome position (GRCh38, 1-based): chr15:89,327,351, T>A on the plus strand (A>T on the coding strand, the complement: POLG is on the minus strand). VCF-style: chr15-89327351-T-A. GRCh37 (hg19) VCF-style: chr15-89870582-T-A.
Other names: c.1251-2A>T (NM_001126131.2).
Identifiers: ClinVar variation 2677966 (VCV002677966.4), dbSNP rs2055536585, ClinGen allele CA393762951.

ClinVar aggregate classification (germline): Pathogenic/Likely pathogenic. Review status: criteria provided, multiple submitters, no conflicts (2 of 4 stars). 3 submissions from 3 submitters: Pathogenic (2); Likely pathogenic (1). Last evaluated 2024-07-25.

Conditions:
Progressive sclerosing poliodystrophy (MTDPS4A). Also called: ALPERS PROGRESSIVE INFANTILE POLIODYSTROPHY; NEURONAL DEGENERATION OF CHILDHOOD WITH LIVER DISEASE, PROGRESSIVE; Mitochondrial DNA depletion syndrome 4A (Alpers type); Mitochondrial DNA Depletion Syndrome 4A; Alpers-Huttenlocher Syndrome (AHS); Alpers Syndrome. Identifiers: Orphanet 726, MedGen C0205710, MONDO:0008758, OMIM 203700.

Submissions (3):

GeneDx
Classification: Likely pathogenic. Last evaluated: 2024-07-25. Review status: criteria provided, single submitter. Criteria: GeneDx Variant Classification Process June 2021. Collection method: clinical testing. Allele origin: germline. Affected: yes.
Comment: Canonical splice site variant predicted to result in an in-frame loss of the adjacent exon in a gene for which loss of function is a known mechanism of disease; Not observed at significant frequency in large population cohorts (gnomAD); This variant is associated with the following publications: (PMID: 34299348, 25525159, 30558828, 25605636, 21235791)

Labcorp Genetics (formerly Invitae), Labcorp
Classification: Pathogenic for Progressive sclerosing poliodystrophy. Last evaluated: 2024-06-07. Review status: criteria provided, single submitter. Criteria: Invitae Variant Classification Sherloc (09022015). Collection method: clinical testing. Allele origin: germline.
Comment: This sequence change affects an acceptor splice site in intron 6 of the POLG gene. RNA analysis indicates that disruption of this splice site induces altered splicing and likely results in a shortened protein product. This variant is not present in population databases (gnomAD no frequency). Disruption of this splice site has been observed in individual(s) with autosomal recessive Alpers-Huttenlocher syndrome (PMID: 21235791). In at least one individual the data is consistent with being in trans (on the opposite chromosome) from a pathogenic variant. Studies have shown that disruption of this splice site results in skipping of exon 7, but is expected to preserve the integrity of the reading-frame (PMID: 21235791). This variant disrupts a region of the POLG protein in which other variant(s) (p.Ala467Thr) have been determined to be pathogenic (PMID: 11431686, 15122711, 15917273, 20691285). This suggests that this is a clinically significant region of the protein, and that variants that disrupt it are likely to be disease-causing. For these reasons, this variant has been classified as Pathogenic.

Baylor Genetics
Classification: Pathogenic for Progressive sclerosing poliodystrophy. Last evaluated: 2022-04-27. Review status: criteria provided, single submitter. Criteria: ACMG Guidelines, 2015. Collection method: clinical testing. Allele origin: unknown.

Literature cited by the submitters: PubMed 21235791 (cited by Labcorp Genetics (formerly Invitae), Labcorp); PubMed 11431686 (cited by Labcorp Genetics (formerly Invitae), Labcorp); PubMed 15122711 (cited by Labcorp Genetics (formerly Invitae), Labcorp); PubMed 15917273 (cited by Labcorp Genetics (formerly Invitae), Labcorp); PubMed 20691285 (cited by Labcorp Genetics (formerly Invitae), Labcorp).